The following is an entry in ClinVar:

ClinVar aggregate classification (germline): Uncertain significance. Review status: criteria provided, multiple submitters, no conflicts (2 of 4 stars). 3 submissions from 3 submitters: Uncertain significance (3). Last evaluated 2023-10-01.

Conditions:
Retinal dystrophy. Also called: Inherited retinal dystrophy. Identifiers: Orphanet 71862, MedGen C0854723, MeSH D058499, MONDO:0019118, HP:0000556.

Allele frequency attached by ClinVar (database versions not stated): gnomAD exomes below 0.00001; TOPMed below 0.00001; gnomAD 0.00001.
gnomAD v4.1: 4 of 1,614,090 alleles (0.00025%); highest among the groups gnomAD compares: African/African-American, 0.0013%; no homozygotes.

Submissions (3):

Dept Of Ophthalmology, Nagoya University
Classification: Uncertain significance for Retinal dystrophy. Last evaluated: 2023-10-01. Review status: criteria provided, single submitter. Criteria: Submitter's publication. Collection method: research. Allele origin: germline. Affected: yes.

Blueprint Genetics
Classification: Uncertain significance. Last evaluated: 2023-07-11. Review status: criteria provided, single submitter. Criteria: ACMG Guidelines, 2015. Collection method: clinical testing. Allele origin: germline.

Labcorp Genetics (formerly Invitae), Labcorp
Classification: Uncertain significance. Last evaluated: 2022-03-19. Review status: criteria provided, single submitter. Criteria: Invitae Variant Classification Sherloc (09022015). Collection method: clinical testing. Allele origin: germline.
Comment: In summary, the available evidence is currently insufficient to determine the role of this variant in disease. Therefore, it has been classified as a Variant of Uncertain Significance. Algorithms developed to predict the effect of missense changes on protein structure and function are either unavailable or do not agree on the potential impact of this missense change (SIFT: "Deleterious"; PolyPhen-2: "Possibly Damaging"; Align-GVGD: "Class C0"). ClinVar contains an entry for this variant (Variation ID: 1021399). This variant has not been reported in the literature in individuals affected with HK1-related conditions. This variant is present in population databases (no rsID available, gnomAD 0.01%). This sequence change replaces valine, which is neutral and non-polar, with alanine, which is neutral and non-polar, at codon 822 of the HK1 protein (p.Val822Ala).

NM_000188.3(HK1):c.2465T>C (p.Val822Ala)

Gene: HK1 (hexokinase 1; plus strand). Cytogenetic location: 10q22.1.
Variant type: single nucleotide variant.
Coding change: c.2465T>C on transcript NM_000188.3 (MANE Select); coding-DNA position 2465, T replaced by C.
Protein change: p.Val822Ala; replaces valine 822 with alanine.
Molecular consequence: missense variant.
Genome position (GRCh38, 1-based): chr10:69,398,684, T>C. VCF-style: chr10-69398684-T-C. GRCh37 (hg19) VCF-style: chr10-71158440-T-C.
Other names: c.2477T>C, p.Val826Ala (NM_001322364.2, NM_001358263.1, NM_033497.3 and 1 more transcripts); c.2570T>C, p.Val857Ala (NM_001322365.2); c.2381T>C, p.Val794Ala (NM_001322366.1); c.2369T>C, p.Val790Ala (NM_001322367.1); c.2462T>C, p.Val821Ala (NM_033496.3); c.2429T>C, p.Val810Ala (NM_033500.2); short protein forms V790A, V794A, V810A, V821A, V822A, V826A, V857A.
Identifiers: ClinVar variation 1021399 (VCV001021399.10), dbSNP rs1242621241, ClinGen allele CA376916793.